The following is an entry in ClinVar:

ClinVar aggregate classification (germline): Uncertain significance (1 of 4 stars; one submission).

Conditions:
PCNT-related disorder. Also called: PCNT-related condition.

Submission:

PreventionGenetics, part of Exact Sciences
Classification: Uncertain significance for PCNT-related condition. Last evaluated: 2025-09-12. Review status: criteria provided, single submitter. Criteria: ACMG Guidelines, 2015. Collection method: clinical testing. Allele origin: germline.
Comment: The PCNT c.2557G>C variant is predicted to result in the amino acid substitution p.Ala853Pro. To our knowledge, this variant has not been reported in the literature or in a large population database (gnomAD), indicating this variant is rare. At this time, the clinical significance of this variant is uncertain due to the absence of conclusive functional and genetic evidence.

NM_006031.6(PCNT):c.2557G>C (p.Ala853Pro)

Gene: PCNT (pericentrin; plus strand). Cytogenetic location: 21q22.3.
Variant type: single nucleotide variant.
Coding change: c.2557G>C on transcript NM_006031.6 (MANE Select); coding-DNA position 2557, G replaced by C.
Protein change: p.Ala853Pro; replaces alanine 853 with proline.
Molecular consequence: missense variant.
Genome position (GRCh38, 1-based): chr21:46,363,882, G>C. VCF-style: chr21-46363882-G-C. GRCh37 (hg19) VCF-style: chr21-47783797-G-C.
Other names: c.2203G>C, p.Ala735Pro (NM_001315529.2); short protein forms A735P, A853P.
Identifiers: ClinVar variation 4990930 (VCV004990930.1).